The following is an entry in ClinVar:

NM_000324.3(RHAG):c.614A>G (p.Tyr205Cys)

Gene: RHAG (Rh associated glycoprotein; minus strand). Cytogenetic location: 6p12.3.
Variant type: single nucleotide variant.
Coding change: c.614A>G on transcript NM_000324.3 (MANE Select); coding-DNA position 614, A replaced by G.
Protein change: p.Tyr205Cys; replaces tyrosine 205 with cysteine.
Molecular consequence: missense variant.
Genome position (GRCh38, 1-based): chr6:49,615,650, T>C on the plus strand (A>G on the coding strand, the complement: RHAG is on the minus strand). VCF-style: chr6-49615650-T-C. GRCh37 (hg19) VCF-style: chr6-49583363-T-C.
Other names: short protein forms Y205C.
Identifiers: ClinVar variation 4779075 (VCV004779075.1).

ClinVar aggregate classification (germline): Uncertain significance (1 of 4 stars; one submission).

gnomAD v4.1: 3 of 1,614,044 alleles (0.00019%); highest among the groups gnomAD compares: Non-Finnish European, 0.00025%; no homozygotes.

Submission:

Labcorp Genetics (formerly Invitae), Labcorp
Classification: Uncertain significance. Last evaluated: 2025-03-19. Review status: criteria provided, single submitter. Criteria: Invitae Variant Classification Sherloc (09022015). Collection method: clinical testing. Allele origin: germline.
Comment: This sequence change replaces tyrosine, which is neutral and polar, with cysteine, which is neutral and slightly polar, at codon 205 of the RHAG protein (p.Tyr205Cys). This variant is not present in population databases (gnomAD no frequency). This variant has not been reported in the literature in individuals affected with RHAG-related conditions. Invitae Evidence Modeling of protein sequence and biophysical properties (such as structural, functional, and spatial information, amino acid conservation, physicochemical variation, residue mobility, and thermodynamic stability) indicates that this missense variant is expected to disrupt RHAG protein function with a positive predictive value of 80%. In summary, the available evidence is currently insufficient to determine the role of this variant in disease. Therefore, it has been classified as a Variant of Uncertain Significance.